The following is an entry in ClinVar:

NM_013275.6(ANKRD11):c.4401G>T (p.Glu1467Asp)

Gene: ANKRD11 (ankyrin repeat domain containing 11; minus strand). Cytogenetic location: 16q24.3.
Variant type: single nucleotide variant.
Coding change: c.4401G>T on transcript NM_013275.6 (MANE Select); coding-DNA position 4401, G replaced by T.
Protein change: p.Glu1467Asp; replaces glutamic acid 1467 with aspartic acid.
Molecular consequence: missense variant.
Genome position (GRCh38, 1-based): chr16:89,282,141, C>A on the plus strand (G>T on the coding strand, the complement: ANKRD11 is on the minus strand). VCF-style: chr16-89282141-C-A. GRCh37 (hg19) VCF-style: chr16-89348549-C-A.
Other names: c.4401G>T, p.Glu1467Asp (NM_001256182.2, NM_001256183.2); short protein forms E1467D.
Identifiers: ClinVar variation 589424 (VCV000589424.5), dbSNP rs1567569115, ClinGen allele CA397157651.

ClinVar aggregate classification (germline): Uncertain significance (1 of 4 stars; one submission).

Conditions:
Inborn genetic diseases. Identifiers: MedGen C0950123, MeSH D030342.

Submission:

Ambry Genetics
Classification: Uncertain significance for Inborn genetic diseases. Last evaluated: 2016-10-06. Review status: criteria provided, single submitter. Criteria: Ambry Variant Classification Scheme 2023. Collection method: clinical testing. Allele origin: germline.
Comment: The p.E1467D variant (also known as c.4401G>T), located in coding exon 7 of the ANKRD11 gene, results from a G to T substitution at nucleotide position 4401. The glutamic acid at codon 1467 is replaced by aspartic acid, an amino acid with highly similar properties. This variant was not reported in population based cohorts in the following databases: Database of Single Nucleotide Polymorphisms (dbSNP), NHLBI Exome Sequencing Project (ESP), and 1000 Genomes Project. In the ESP, this variant was not observed in 6498 samples (12996 alleles) with coverage at this position. This amino acid position is well conserved in available vertebrate species. In addition, this alteration is predicted to be tolerated by in silico analysis. Since supporting evidence is limited at this time, the clinical significance of this variant remains unclear.